The following is an entry in ClinVar:

NM_022436.3(ABCG5):c.1374C>G (p.Tyr458Ter)

Genes: ABCG5 (ATP binding cassette subfamily G member 5; minus strand), DYNC2LI1 (dynein cytoplasmic 2 light intermediate chain 1; plus strand). Cytogenetic location: 2p21.
Variant type: single nucleotide variant.
Coding change: c.1374C>G on transcript NM_022436.3 (MANE Select); coding-DNA position 1374, C replaced by G.
Protein change: p.Tyr458Ter; replaces tyrosine 458 with a stop codon.
Molecular consequence: nonsense. On other transcripts: intron variant (2).
Genome position (GRCh38, 1-based): chr2:43,822,886, G>C on the plus strand (C>G on the coding strand, the complement: ABCG5 is on the minus strand). VCF-style: chr2-43822886-G-C. GRCh37 (hg19) VCF-style: chr2-44050025-G-C.
Other names: c.*16-4500G>C (NM_001348913.2, NM_001348912.2); short protein forms Y458*.
Identifiers: ClinVar variation 808732 (VCV000808732.46), dbSNP rs1558738919, ClinGen allele CA346663932.

ClinVar aggregate classification (germline): Pathogenic/Likely pathogenic. Review status: criteria provided, multiple submitters, no conflicts (2 of 4 stars). 4 submissions from 4 submitters: Pathogenic (2); Likely pathogenic (1). 1 of the submissions does not count toward it. Last evaluated 2023-04-30.

Conditions:
Sitosterolemia 2. Identifiers: MedGen C5231453, MONDO:0020748, OMIM 618666.
Sitosterolemia (STSL). Also called: PHYTOSTEROLEMIA. Identifiers: Orphanet 2882, MedGen C0342907, MONDO:0008863.

Allele frequency attached by ClinVar (database versions not stated): gnomAD 0.00001; TOPMed below 0.00001.
gnomAD v4.1: 4 of 1,614,006 alleles (0.00025%); highest among the groups gnomAD compares: Non-Finnish European, 0.00034%; no homozygotes.

Submissions (4):

Labcorp Genetics (formerly Invitae), Labcorp
Classification: Pathogenic for Sitosterolemia. Last evaluated: 2023-04-30. Review status: criteria provided, single submitter. Criteria: Invitae Variant Classification Sherloc (09022015). Collection method: clinical testing. Allele origin: germline.
Comment: For these reasons, this variant has been classified as Pathogenic. Algorithms developed to predict the effect of sequence changes on RNA splicing suggest that this variant may disrupt the consensus splice site. ClinVar contains an entry for this variant (Variation ID: 808732). This premature translational stop signal has been observed in individual(s) with sitosterolemia (PMID: 34093240). This variant is not present in population databases (gnomAD no frequency). This sequence change creates a premature translational stop signal (p.Tyr458*) in the ABCG5 gene. It is expected to result in an absent or disrupted protein product. Loss-of-function variants in ABCG5 are known to be pathogenic (PMID: 11138003, 25665839).

CeGaT Center for Human Genetics Tuebingen
Classification: Likely pathogenic. Last evaluated: 2020-11-01. Review status: criteria provided, single submitter. Criteria: CeGaT Center For Human Genetics Tuebingen Variant Classification Criteria Version 2. Collection method: clinical testing. Allele origin: germline. Affected: yes. Observed: 1 variant allele.

UOS Fisiopatologia delle Anemie, Fondazione IRCCS Ca' Granda Ospedale Maggiore Policlinico Milano
Classification: Pathogenic for Sitosterolemia 2. Last evaluated: 2018-03-29. Review status: criteria provided, single submitter. Criteria: ACMG Guidelines, 2015. Collection method: clinical testing. Allele origin: germline. Affected: yes. Observed: 1 variant allele.

Cardiovascular Genetics Laboratory, PathWest Laboratory Medicine WA - Fiona Stanley Hospital
Classification: Pathogenic for Sitosterolemia 2. Last evaluated: 2022-01-05. Review status: no assertion criteria provided. Criteria: ACMG Guidelines, 2015. Collection method: clinical testing. Allele origin: germline. Not counted in ClinVar's aggregate classification.

Literature cited by the submitters: PubMed 34093240 (cited by Labcorp Genetics (formerly Invitae), Labcorp); PubMed 11138003 (cited by Labcorp Genetics (formerly Invitae), Labcorp); PubMed 25665839 (cited by Labcorp Genetics (formerly Invitae), Labcorp).